The following is an entry in ClinVar:

NM_024334.3(TMEM43):c.895dup (p.Arg299fs)

Gene: TMEM43 (transmembrane protein 43; plus strand). Cytogenetic location: 3p25.1.
Variant type: Duplication.
Coding change: c.895dup on transcript NM_024334.3 (MANE Select); coding-DNA position 895, one base duplicated (A; older notation c.895dupA).
Protein change: p.Arg299fs; shifts the reading frame from arginine 299.
Molecular consequence: frameshift variant.
Genome position (GRCh38, 1-based): chr3:14,139,192, A duplicated. VCF-style (leftmost placement, unchanged base first): chr3-14139191-T-TA. GRCh37 (hg19) VCF-style: chr3-14180691-T-TA.
Other names: short protein forms R299fs.
Identifiers: ClinVar variation 855394 (VCV000855394.4), dbSNP rs1695216412, ClinGen allele CA916081423.
Genomic context (GRCh38, chr3:14,139,191, plus strand): 5'-TACGCCACTGGCCCTCAGCATCCTGACCTGCCCCCACCTTGTCCTGCAGGAGGTGTTTCA[T>TA]AGAGAACTAAGGAGCAACTCCATGAAGACCTGGGGCCTGCGGGCAGCTGGCTGGATGGCC-3'

ClinVar aggregate classification (germline): Uncertain significance (1 of 4 stars; one submission).

Conditions:
Arrhythmogenic right ventricular dysplasia 5. Also called: Arrhythmogenic Right Ventricular Dysplasia/Cardiomyopathy 5; ARRHYTHMOGENIC RIGHT VENTRICULAR DYSPLASIA, FAMILIAL, 5. Identifiers: MedGen C1858379, MONDO:0011459, OMIM 604400.

Submission:

Labcorp Genetics (formerly Invitae), Labcorp
Classification: Uncertain significance for Arrhythmogenic right ventricular dysplasia 5. Last evaluated: 2020-06-26. Review status: criteria provided, single submitter. Criteria: Invitae Variant Classification Sherloc (09022015). Collection method: clinical testing. Allele origin: germline.
Comment: This sequence change results in a frameshift in the TMEM43 gene (p.Arg299Lysfs*125). While this is not anticipated to result in nonsense mediated decay, it is expected to disrupt the last 102 amino acids of the TMEM43 protein and extend the protein by an additional 23 amino acids. This variant is not present in population databases (ExAC no frequency). This variant has not been reported in the literature in individuals with TMEM43-related conditions. In summary, the available evidence is currently insufficient to determine the role of this variant in disease. Therefore, it has been classified as a Variant of Uncertain Significance.